The following is an entry in ClinVar:

NM_006363.6(SEC23B):c.1503C>T (p.Ile501=)

Gene: SEC23B (SEC23 homolog B, COPII component; plus strand). Cytogenetic location: 20p11.23.
Variant type: single nucleotide variant.
Coding change: c.1503C>T on transcript NM_006363.6 (MANE Select); coding-DNA position 1503, C replaced by T.
Protein change: p.Ile501=; no amino-acid change (isoleucine 501 retained).
Molecular consequence: synonymous variant.
Genome position (GRCh38, 1-based): chr20:18,542,394, C>T. VCF-style: chr20-18542394-C-T. GRCh37 (hg19) VCF-style: chr20-18523038-C-T.
Other names: p.Ile501=; c.1503C>T, p.Ile501= (NM_001172745.3, NM_032985.6, NM_032986.5); c.1449C>T, p.Ile483= (NM_001172746.3).
Identifiers: ClinVar variation 95383 (VCV000095383.35), dbSNP rs147036760, ClinGen allele CA148503.

ClinVar aggregate classification (germline): Benign/Likely benign. Review status: criteria provided, multiple submitters, no conflicts (2 of 4 stars). 7 submissions from 7 submitters: Benign (5); Likely benign (1). 1 of the submissions does not count toward it. Last evaluated 2026-01-27.

Conditions:
SEC23B-related disorder. Also called: SEC23B-related disorders; SEC23B-related condition.
Congenital dyserythropoietic anemia, type II (CDAN2). Also called: DYSERYTHROPOIETIC ANEMIA, HEMPAS TYPE. Identifiers: Orphanet 98873, MedGen C1306589, MONDO:0009134, OMIM 224100.
Cowden syndrome 7 (CWS7). Identifiers: Orphanet 201, MedGen C4225179, MONDO:0014802, OMIM 616858.

Allele frequency attached by ClinVar (database versions not stated): 1000 Genomes Project 0.00679; gnomAD 0.00699 and 0.00639; TOPMed 0.00721; ESP Exome Variant Server 0.00730; 1000 Genomes Project 30x 0.00734; gnomAD exomes 0.00063 and 0.00163; ExAC 0.00205.
gnomAD v4.1: 1,949 of 1,614,036 alleles (0.12%); highest among the groups gnomAD compares: African/African-American, 2.1%; 28 homozygotes.

Submissions (7):

Labcorp Genetics (formerly Invitae), Labcorp
Classification: Benign for Congenital dyserythropoietic anemia, type II; Cowden syndrome 7. Last evaluated: 2026-01-27. Review status: criteria provided, single submitter. Criteria: Invitae Variant Classification Sherloc (09022015). Collection method: clinical testing. Allele origin: germline.

ARUP Laboratories, Molecular Genetics and Genomics, ARUP Laboratories
Classification: Benign. Last evaluated: 2025-06-06. Review status: criteria provided, single submitter. Criteria: ARUP Molecular Germline Variant Investigation Process 2024. Collection method: clinical testing. Allele origin: germline.

Mayo Clinic Laboratories, Mayo Clinic
Classification: Likely benign. Last evaluated: 2025-02-28. Review status: criteria provided, single submitter. Criteria: ACMG Guidelines, 2015. Collection method: clinical testing. Allele origin: germline. Observed: 18 variant alleles.
Comment: BS1, BS2, BP7

Illumina Laboratory Services, Illumina
Classification: Benign for Congenital dyserythropoietic anemia, type II. Last evaluated: 2018-01-12. Review status: criteria provided, single submitter. Criteria: ICSL Variant Classification Criteria 13 December 2019. Collection method: clinical testing. Allele origin: germline.
Comment: This variant was observed in the ICSL laboratory as part of a predisposition screen in an ostensibly healthy population. It had not been previously curated by ICSL or reported in the Human Gene Mutation Database (HGMD: prior to June 1st, 2018), and was therefore a candidate for classification through an automated scoring system. Utilizing variant allele frequency, disease prevalence and penetrance estimates, and inheritance mode, an automated score was calculated to assess if this variant is too frequent to cause the disease. Based on the score and internal cut-off values, a variant classified as benign is not then subjected to further curation. The score for this variant resulted in a classification of benign for this disease.

Eurofins Ntd Llc (ga)
Classification: Benign. Last evaluated: 2012-11-13. Review status: criteria provided, single submitter. Criteria: EGL Classification Definitions 2015. Collection method: clinical testing. Allele origin: germline. Observed: 2 variant alleles, 2 heterozygotes.

Breakthrough Genomics
Classification: Benign. Review status: criteria provided, single submitter. Criteria: ACMG Guidelines, 2015. Collection method: not provided. Allele origin: germline. Inheritance: Autosomal recessive inheritance. Affected: yes.

PreventionGenetics, part of Exact Sciences
Classification: Benign for SEC23B-related condition. Last evaluated: 2019-03-28. Review status: no assertion criteria provided. Collection method: clinical testing. Allele origin: germline. Not counted in ClinVar's aggregate classification.
Comment: This variant is classified as benign based on ACMG/AMP sequence variant interpretation guidelines (Richards et al. 2015 PMID: 25741868, with internal and published modifications).